The following is an entry in ClinVar:

ClinVar aggregate classification (germline): Uncertain significance (1 of 4 stars; one submission).

Conditions:
Hereditary cancer-predisposing syndrome. Also called: Tumor predisposition; Hereditary Cancer Syndrome; Hereditary neoplastic syndrome; Neoplastic Syndromes, Hereditary. Identifiers: Orphanet 140162, MedGen C0027672, MeSH D009386, MONDO:0015356.

Submission:

Ambry Genetics
Classification: Uncertain significance for Hereditary cancer-predisposing syndrome. Last evaluated: 2026-02-20. Review status: criteria provided, single submitter. Criteria: Ambry Variant Classification Scheme 2023. Collection method: clinical testing. Allele origin: germline.
Comment: The c.3219-9_3231dup22 variant results from a duplication of 22 nucleotides between positions 3219-9 and 3231 and involves the canonical splice acceptor site before coding exon 26 of the POLD1 gene. In silico splice site analysis predicts that this alteration will weaken the native splice acceptor site and will result in the creation or strengthening of a novel splice acceptor site; however, the exact impact of this duplication on splicing and function is currently unknown. The canonical splice acceptor site is well conserved in available vertebrate species. Based on the available evidence, the clinical significance of this variant remains unclear.

NM_002691.4(POLD1):c.3219-9_3231dup

Gene: POLD1 (DNA polymerase delta 1, catalytic subunit; plus strand). Cytogenetic location: 19q13.33.
Variant type: Duplication.
Coding change: c.3219-9_3231dup on transcript NM_002691.4 (MANE Select); 9 bases into the intron before coding-DNA position 3219 through coding-DNA position 3231, 22 bases duplicated (CACCCGCAGCCGGGACTGCCCC).
Molecular consequence: splice acceptor variant.
Genome position (GRCh38, 1-based): chr19:50,417,833-50,417,854, CACCCGCAGCCGGGACTGCCCC duplicated; duplicating any 22 consecutive bases within chr19:50,417,826-50,417,854 gives the same sequence; the c. name uses the placement nearest the transcript's 3' end. VCF-style (leftmost placement, unchanged base first): chr19-50417825-C-CCTGCCCCCACCCGCAGCCGGGA. GRCh37 (hg19) VCF-style: chr19-50921082-C-CCTGCCCCCACCCGCAGCCGGGA.
Other names: c.3219-9_3231dup (NM_001256849.1); c.3297-9_3309dup (NM_001308632.1).
Identifiers: ClinVar variation 1729017 (VCV001729017.3), dbSNP rs2514086296, ClinGen allele CA2580097929.